The following is an entry in ClinVar:

ClinVar aggregate classification (germline): Pathogenic (1 of 4 stars; one submission).

Conditions:
Kabuki syndrome. Also called: Kabuki make-up syndrome; NIIKAWA-KUROKI SYNDROME. Identifiers: Orphanet 2322, MedGen C0796004, MONDO:0016512.

Submission:

Labcorp Genetics (formerly Invitae), Labcorp
Classification: Pathogenic for Kabuki syndrome. Last evaluated: 2023-12-14. Review status: criteria provided, single submitter. Criteria: Invitae Variant Classification Sherloc (09022015). Collection method: clinical testing. Allele origin: germline.
Comment: This sequence change creates a premature translational stop signal (p.Pro1844Argfs*3) in the KMT2D gene. It is expected to result in an absent or disrupted protein product. Loss-of-function variants in KMT2D are known to be pathogenic (PMID: 22126750). This variant is not present in population databases (gnomAD no frequency). This variant has not been reported in the literature in individuals affected with KMT2D-related conditions. For these reasons, this variant has been classified as Pathogenic.

Literature cited by the submitters: PubMed 22126750.

NM_003482.4(KMT2D):c.5529_5530del (p.Pro1844fs)

Gene: KMT2D (lysine methyltransferase 2D; minus strand). Cytogenetic location: 12q13.12.
Variant type: Microsatellite.
Coding change: c.5529_5530del on transcript NM_003482.4 (MANE Select); coding-DNA positions 5529 to 5530, 2 bases deleted (AC; older notation c.5529_5530delAC).
Protein change: p.Pro1844fs; shifts the reading frame from proline 1844.
Molecular consequence: frameshift variant.
Genome position (GRCh38, 1-based): chr12:49,043,366-49,043,367, GT deleted on the plus strand (AC on the coding strand, the reverse complement: KMT2D is on the minus strand); deleting any 2 consecutive bases within chr12:49,043,366-49,043,369 gives the same sequence; the c. name uses the placement nearest the transcript's 3' end. VCF-style (leftmost placement, unchanged base first): chr12-49043365-GGT-G. GRCh37 (hg19) VCF-style: chr12-49437148-GGT-G.
Other names: short protein forms P1844fs.
Identifiers: ClinVar variation 2701351 (VCV002701351.3), dbSNP rs2498413073, ClinGen allele CA2697559248.